The following is an entry in ClinVar:

NM_000079.4(CHRNA1):c.234+296G>A

Gene: CHRNA1 (cholinergic receptor nicotinic alpha 1 subunit; minus strand). Cytogenetic location: 2q31.1.
Variant type: single nucleotide variant.
Coding change: c.234+296G>A on transcript NM_000079.4 (MANE Select); 296 bases into the intron after coding-DNA position 234, G replaced by A.
Molecular consequence: intron variant.
Genome position (GRCh38, 1-based): chr2:174,759,035, C>T on the plus strand (G>A on the coding strand, the complement: CHRNA1 is on the minus strand). VCF-style: chr2-174759035-C-T. GRCh37 (hg19) VCF-style: chr2-175623763-C-T.
Other names: c.234+296G>A (NM_001039523.3).
Identifiers: ClinVar variation 668089 (VCV000668089.1), dbSNP rs2600686, ClinGen allele CA15216748.

ClinVar aggregate classification (germline): Benign (1 of 4 stars; one submission).

Allele frequency attached by ClinVar (database versions not stated): 1000 Genomes Project 30x 0.72626; 1000 Genomes Project 0.73163; TOPMed 0.74100; gnomAD 0.74954 and 0.75487.

Submission:

GeneDx
Classification: Benign. Last evaluated: 2018-06-16. Review status: criteria provided, single submitter. Criteria: GeneDx Variant Classification (06012015). Collection method: clinical testing. Allele origin: germline. Affected: yes.
Comment: This variant is considered likely benign or benign based on one or more of the following criteria: it is a conservative change, it occurs at a poorly conserved position in the protein, it is predicted to be benign by multiple in silico algorithms, and/or has population frequency not consistent with disease.